The following is an entry in ClinVar:

ClinVar aggregate classification (germline): Pathogenic (1 of 4 stars; one submission).

Conditions:
Neurofibromatosis, type 1 (NF1). Also called: Peripheral type neurofibromatosis; Neurofibromatosis, type I; VON RECKLINGHAUSEN DISEASE; NEUROFIBROMATOSIS, TYPE I, SOMATIC. Identifiers: Orphanet 636, MedGen C0027831, MONDO:0018975, OMIM 162200. Disease mechanism: loss of function.

Submission:

Labcorp Genetics (formerly Invitae), Labcorp
Classification: Pathogenic for Neurofibromatosis, type 1. Last evaluated: 2020-01-10. Review status: criteria provided, single submitter. Criteria: Invitae Variant Classification Sherloc (09022015). Collection method: clinical testing. Allele origin: germline.
Comment: This sequence change creates a premature translational stop signal (p.Gln1070*) in the NF1 gene. It is expected to result in an absent or disrupted protein product. This variant is not present in population databases (ExAC no frequency). This variant has not been reported in the literature in individuals with NF1-related conditions. Loss-of-function variants in NF1 are known to be pathogenic (PMID: 10712197, 23913538). For these reasons, this variant has been classified as Pathogenic.

NM_001042492.3(NF1):c.3207_3208delinsTT (p.Gln1070Ter)

Gene: NF1 (neurofibromin 1; plus strand). Cytogenetic location: 17q11.2.
Variant type: Indel.
Coding change: c.3207_3208delinsTT on transcript NM_001042492.3 (MANE Select); coding-DNA positions 3207 to 3208, CC replaced by TT.
Protein change: p.Gln1070Ter; replaces glutamine 1070 with a stop codon.
Molecular consequence: nonsense.
Genome position (GRCh38, 1-based): chr17:31,232,082-31,232,083, CC replaced by TT. VCF-style: chr17-31232082-CC-TT. GRCh37 (hg19) VCF-style: chr17-29559100-CC-TT.
Other names: c.3207_3208delCCinsTT, p.Gln1070Ter (NM_000267.4); short protein forms Q1070*.
Identifiers: ClinVar variation 835546 (VCV000835546.1), dbSNP rs2067122084, ClinGen allele CA916080650.